The following is an entry in ClinVar:

NM_006231.4(POLE):c.169G>A (p.Gly57Ser)

Gene: POLE (DNA polymerase epsilon, catalytic subunit; minus strand). Cytogenetic location: 12q24.33.
Variant type: single nucleotide variant.
Coding change: c.169G>A on transcript NM_006231.4 (MANE Select); coding-DNA position 169, G replaced by A.
Protein change: p.Gly57Ser; replaces glycine 57 with serine.
Molecular consequence: missense variant.
Genome position (GRCh38, 1-based): chr12:132,681,173, C>T on the plus strand (G>A on the coding strand, the complement: POLE is on the minus strand). VCF-style: chr12-132681173-C-T. GRCh37 (hg19) VCF-style: chr12-133257759-C-T.
Other names: short protein forms G57S.
Identifiers: ClinVar variation 3308338 (VCV003308338.2).

ClinVar aggregate classification (germline): Uncertain significance. Review status: criteria provided, multiple submitters, no conflicts (2 of 4 stars). 2 submissions from 2 submitters: Uncertain significance (2). Last evaluated 2025-03-07.

Conditions:
Hereditary cancer-predisposing syndrome. Also called: Tumor predisposition; Hereditary Cancer Syndrome; Hereditary neoplastic syndrome; Neoplastic Syndromes, Hereditary. Identifiers: Orphanet 140162, MedGen C0027672, MeSH D009386, MONDO:0015356.

Submissions (2):

Labcorp Genetics (formerly Invitae), Labcorp
Classification: Uncertain significance. Last evaluated: 2025-03-07. Review status: criteria provided, single submitter. Criteria: Invitae Variant Classification Sherloc (09022015). Collection method: clinical testing. Allele origin: germline.
Comment: This sequence change replaces glycine, which is neutral and non-polar, with serine, which is neutral and polar, at codon 57 of the POLE protein (p.Gly57Ser). This variant is not present in population databases (gnomAD no frequency). This variant has not been reported in the literature in individuals affected with POLE-related conditions. ClinVar contains an entry for this variant (Variation ID: 3308338). Invitae Evidence Modeling of protein sequence and biophysical properties (such as structural, functional, and spatial information, amino acid conservation, physicochemical variation, residue mobility, and thermodynamic stability) indicates that this missense variant is not expected to disrupt POLE protein function with a negative predictive value of 80%. In summary, the available evidence is currently insufficient to determine the role of this variant in disease. Therefore, it has been classified as a Variant of Uncertain Significance.

Ambry Genetics
Classification: Uncertain significance for Hereditary cancer-predisposing syndrome. Last evaluated: 2024-06-17. Review status: criteria provided, single submitter. Criteria: Ambry Variant Classification Scheme 2023. Collection method: clinical testing. Allele origin: germline.
Comment: The p.G57S variant (also known as c.169G>A), located in coding exon 2 of the POLE gene, results from a G to A substitution at nucleotide position 169. The glycine at codon 57 is replaced by serine, an amino acid with similar properties. This amino acid position is conserved. In addition, this alteration is predicted to be tolerated by in silico analysis. Based on the available evidence, the clinical significance of this variant remains unclear.